The following is an entry in ClinVar:

ClinVar aggregate classification (germline): Conflicting classifications of pathogenicity. Review status: criteria provided, conflicting classifications (1 of 4 stars). 4 submissions from 4 submitters: Uncertain significance (3); Likely benign (1). Last evaluated 2025-05-04.

Conditions:
Usher syndrome type 2C. Also called: Usher syndrome, type 2B; USHER SYNDROME, TYPE IIC. Identifiers: Orphanet 231178, Orphanet 886, MedGen C2931213, MONDO:0011558, OMIM 605472.
Inborn genetic diseases. Identifiers: MedGen C0950123, MeSH D030342.

Allele frequency attached by ClinVar (database versions not stated): TOPMed 0.00003; gnomAD 0.00005.

Submissions (4):

Ambry Genetics
Classification: Uncertain significance for Inborn genetic diseases. Last evaluated: 2025-05-04. Review status: criteria provided, single submitter. Criteria: Ambry Variant Classification Scheme 2023. Collection method: clinical testing. Allele origin: germline.

GeneDx
Classification: Uncertain significance. Last evaluated: 2025-02-03. Review status: criteria provided, single submitter. Criteria: GeneDx Variant Classification Process June 2021. Collection method: clinical testing. Allele origin: germline. Affected: yes.
Comment: In silico analysis supports that this missense variant has a deleterious effect on protein structure/function; Has not been previously published as pathogenic or benign to our knowledge

Labcorp Genetics (formerly Invitae), Labcorp
Classification: Likely benign. Last evaluated: 2024-01-17. Review status: criteria provided, single submitter. Criteria: Invitae Variant Classification Sherloc (09022015). Collection method: clinical testing. Allele origin: germline.

Illumina Laboratory Services, Illumina
Classification: Uncertain significance for Usher syndrome type 2C. Last evaluated: 2018-01-13. Review status: criteria provided, single submitter. Criteria: ICSL Variant Classification Criteria 13 December 2019. Collection method: clinical testing. Allele origin: germline.

NM_032119.4(ADGRV1):c.170G>A (p.Arg57Lys)

Gene: ADGRV1 (adhesion G protein-coupled receptor V1; plus strand). Cytogenetic location: 5q14.3.
Variant type: single nucleotide variant.
Coding change: c.170G>A on transcript NM_032119.4 (MANE Select); coding-DNA position 170, G replaced by A.
Protein change: p.Arg57Lys; replaces arginine 57 with lysine.
Molecular consequence: missense variant. On other transcripts: non-coding transcript variant (1).
Genome position (GRCh38, 1-based): chr5:90,614,982, G>A. VCF-style: chr5-90614982-G-A. GRCh37 (hg19) VCF-style: chr5-89910799-G-A.
Other names: short protein forms R57K.
Identifiers: ClinVar variation 904714 (VCV000904714.9), dbSNP rs956307189, ClinGen allele CA121805483.
Genomic context (GRCh38, chr5:90,614,982, plus strand): 5'-GACAAACTGAATTTGTTGTTAATGAAACAAGTACAACAGTTATTCGTCTTATCATTGAAA[G>A]GATAGGAGAGCCAGCAAATGTTACTGCAATTGTATCGGTAAGAAATTATTATAGCTCTAT-3'
Protein context (NP_115495.3, residues 47-67): STTVIRLIIE[Arg57Lys]IGEPANVTAI